The following is an entry in ClinVar:

NM_001291303.3(FAT4):c.9315C>G (p.Ser3105Arg)

Gene: FAT4 (FAT atypical cadherin 4; plus strand). Cytogenetic location: 4q28.1.
Variant type: single nucleotide variant.
Coding change: c.9315C>G on transcript NM_001291303.3 (MANE Select); coding-DNA position 9315, C replaced by G.
Protein change: p.Ser3105Arg; replaces serine 3105 with arginine.
Molecular consequence: missense variant.
Genome position (GRCh38, 1-based): chr4:125,450,325, C>G. VCF-style: chr4-125450325-C-G. GRCh37 (hg19) VCF-style: chr4-126371480-C-G.
Other names: c.9309C>G (NM_024582.4, NM_024582.5); c.9315C>G, p.Ser3105Arg (NM_001291285.3); c.9309C>G, p.Ser3103Arg (NM_024582.6); short protein forms S3103R, S3105R.
Identifiers: ClinVar variation 1425151 (VCV001425151.7), dbSNP rs1419658326, ClinGen allele CA358151579.
Genomic context (GRCh38, chr4:125,450,325, plus strand): 5'-CTACCATACACCTGAATTCTCTCAAAGCCACATGAGTGCAACCATCCCTGAGAGCCATAG[C>G]ATTGGGTCCATTGTCAGAACTGTTTCTGCAAGAGATAGAGATGCAGCGATGAATGGCTTG-3'
Protein context (NP_001278232.1, residues 3095-3115): HMSATIPESH[Ser3105Arg]IGSIVRTVSA

ClinVar aggregate classification (germline): Uncertain significance. Review status: criteria provided, multiple submitters, no conflicts (2 of 4 stars). 4 submissions from 4 submitters: Uncertain significance (4). Last evaluated 2025-06-18.

Conditions:
Inborn genetic diseases. Identifiers: MedGen C0950123, MeSH D030342.
Van Maldergem syndrome 2 (VMLDS2). Identifiers: Orphanet 314679, MedGen C3809875, MONDO:0014242, OMIM 615546.
Hennekam lymphangiectasia-lymphedema syndrome 2 (HKLLS2). Identifiers: Orphanet 2136, MedGen C4014939, MONDO:0014454, OMIM 616006.

Allele frequency attached by ClinVar (database versions not stated): gnomAD exomes below 0.00001; gnomAD 0.00001; TOPMed 0.00001.
gnomAD v4.1: 4 of 1,613,982 alleles (0.00025%); highest among the groups gnomAD compares: Admixed American, 0.0033%; no homozygotes.

Submissions (4):

Ambry Genetics
Classification: Uncertain significance for Inborn genetic diseases. Last evaluated: 2025-06-18. Review status: criteria provided, single submitter. Criteria: Ambry Variant Classification Scheme 2023. Collection method: clinical testing. Allele origin: germline.

Clinical Genomics Laboratory, Washington University in St. Louis
Classification: Uncertain significance for Hennekam lymphangiectasia-lymphedema syndrome 2. Last evaluated: 2024-07-02. Review status: criteria provided, single submitter. Criteria: ACMG Guidelines, 2015. Collection method: clinical testing. Allele origin: germline.
Comment: A FAT4 c.9315C>G (p.Ser3105Arg) variant was identified at a near heterozygous allelic fraction of 49.3%, a frequency which may be consistent with germline origin. This variant, to our knowledge, has not been reported in the medical literature and is only observed on 4/1,613,982 alleles in the general population (gnomAD v4.1.0), indicating that it is not a common variant. The variant has been reported in the ClinVar database as a variant of uncertain clinical significance by one submitter (ClinVar Variation ID: 1425151). Computational predictors suggest that this variant does not impact FAT4 function. Due to limited information, and based on ACMG/AMP guidelines for variant interpretation (Richards S et al., PMID: 25741868), the clinical significance of the FAT4 c.9315C>G (p.Ser3105Arg) variant is uncertain at this time.

Fulgent Genetics
Classification: Uncertain significance for Van Maldergem syndrome 2; Hennekam lymphangiectasia-lymphedema syndrome 2. Last evaluated: 2024-04-10. Review status: criteria provided, single submitter. Criteria: ACMG Guidelines, 2015. Collection method: clinical testing. Allele origin: germline.

Labcorp Genetics (formerly Invitae), Labcorp
Classification: Uncertain significance. Last evaluated: 2022-07-26. Review status: criteria provided, single submitter. Criteria: Invitae Variant Classification Sherloc (09022015). Collection method: clinical testing. Allele origin: germline.
Comment: This sequence change replaces serine, which is neutral and polar, with arginine, which is basic and polar, at codon 3103 of the FAT4 protein (p.Ser3103Arg). This variant is present in population databases (no rsID available, gnomAD no frequency). This variant has not been reported in the literature in individuals affected with FAT4-related conditions. ClinVar contains an entry for this variant (Variation ID: 1425151). Advanced modeling of protein sequence and biophysical properties (such as structural, functional, and spatial information, amino acid conservation, physicochemical variation, residue mobility, and thermodynamic stability) performed at Invitae indicates that this missense variant is not expected to disrupt FAT4 protein function. In summary, the available evidence is currently insufficient to determine the role of this variant in disease. Therefore, it has been classified as a Variant of Uncertain Significance.